The following is an entry in ClinVar:

NM_182961.4(SYNE1):c.23419G>A (p.Gly7807Arg)

Gene: SYNE1 (spectrin repeat containing nuclear envelope protein 1; minus strand). Cytogenetic location: 6q25.2.
Variant type: single nucleotide variant.
Coding change: c.23419G>A on transcript NM_182961.4 (MANE Select); coding-DNA position 23419, G replaced by A.
Protein change: p.Gly7807Arg; replaces glycine 7807 with arginine.
Molecular consequence: missense variant.
Genome position (GRCh38, 1-based): chr6:152,180,177, C>T on the plus strand (G>A on the coding strand, the complement: SYNE1 is on the minus strand). VCF-style: chr6-152180177-C-T. GRCh37 (hg19) VCF-style: chr6-152501312-C-T.
Other names: c.25G>A, p.Gly9Arg (NM_001347701.2); c.23206G>A, p.Gly7736Arg (NM_033071.5); short protein forms G7807R, G7736R, G9R.
Identifiers: ClinVar variation 936601 (VCV000936601.9), dbSNP rs2067600593, ClinGen allele CA366091847.
Genomic context (GRCh38, chr6:152,180,177, plus strand): 5'-GTAGCCATGCATTCCATACCTTCTTGAGCTTCTCTATCATTTCTTCAATGAGAATGTCTC[C>T]ATTCTGAGAAACTTTGCTTTCCATTTGAGTCAACCACTCACAGAGTTCCTTGTTCTTTTC-3'
Protein context (NP_892006.3, residues 7797-7817): TQMESKVSQN[Gly7807Arg]DILIEEMIEK

ClinVar aggregate classification (germline): Uncertain significance (1 of 4 stars; one submission).

Conditions:
Emery-Dreifuss muscular dystrophy 4, autosomal dominant (EDMD4). Also called: EMERY-DREIFUSS MUSCULAR DYSTROPHY 4 WITH VARIABLE FEATURES. Identifiers: Orphanet 261, MedGen C2751807, MONDO:0013071, OMIM 612998.
Autosomal recessive ataxia, Beauce type. Also called: Spinocerebellar ataxia, autosomal recessive 8; ATAXIA, RECESSIVE, OF BEAUCE; SYNE1-Related Autosomal Recessive Cerebellar Ataxia; SYNE1 Deficiency. Identifiers: Orphanet 88644, MedGen C1853116, MONDO:0012549, OMIM 610743.

Allele frequency attached by ClinVar (database versions not stated): gnomAD exomes below 0.00001.
gnomAD v4.1: 1 of 1,614,102 alleles (0.000062%); highest among the groups gnomAD compares: Non-Finnish European, 0.000085%; no homozygotes.

Submission:

Labcorp Genetics (formerly Invitae), Labcorp
Classification: Uncertain significance for Emery-Dreifuss muscular dystrophy 4, autosomal dominant; Autosomal recessive ataxia, Beauce type. Last evaluated: 2022-06-04. Review status: criteria provided, single submitter. Criteria: Invitae Variant Classification Sherloc (09022015). Collection method: clinical testing. Allele origin: germline.
Comment: In summary, the available evidence is currently insufficient to determine the role of this variant in disease. Therefore, it has been classified as a Variant of Uncertain Significance. Algorithms developed to predict the effect of missense changes on protein structure and function (SIFT, PolyPhen-2, Align-GVGD) all suggest that this variant is likely to be disruptive. ClinVar contains an entry for this variant (Variation ID: 936601). This variant has not been reported in the literature in individuals affected with SYNE1-related conditions. This variant is not present in population databases (gnomAD no frequency). This sequence change replaces glycine, which is neutral and non-polar, with arginine, which is basic and polar, at codon 7736 of the SYNE1 protein (p.Gly7736Arg).